The following is an entry in ClinVar:

ClinVar aggregate classification (germline): Likely pathogenic (1 of 4 stars; one submission).

Submission:

GeneDx
Classification: Likely pathogenic. Last evaluated: 2025-06-10. Review status: criteria provided, single submitter. Criteria: GeneDx Variant Classification Process June 2021. Collection method: clinical testing. Allele origin: germline. Affected: yes.
Comment: Not observed at significant frequency in large population cohorts (gnomAD); In silico analysis is inconclusive as to whether the variant alters gene splicing. In the absence of RNA/functional studies, the actual effect of this sequence change is unknown.; This variant is associated with the following publications: (PMID: 38465286)

NM_020320.5(RARS2):c.451+4A>G

Gene: RARS2 (arginyl-tRNA synthetase 2, mitochondrial; minus strand). Cytogenetic location: 6q15.
Variant type: single nucleotide variant.
Coding change: c.451+4A>G on transcript NM_020320.5 (MANE Select); 4 bases into the intron after coding-DNA position 451, A replaced by G.
Molecular consequence: intron variant.
Genome position (GRCh38, 1-based): chr6:87,548,587, T>C on the plus strand (A>G on the coding strand, the complement: RARS2 is on the minus strand). VCF-style: chr6-87548587-T-C. GRCh37 (hg19) VCF-style: chr6-88258305-T-C.
Other names: c.451+4A>G (NM_001350505.2); c.-74-2888A>G (NM_001350509.2, NM_001318785.2); c.-75+4A>G (NM_001350506.2, NM_001350510.2, NM_001350508.2 and 2 more transcripts).
Identifiers: ClinVar variation 4537939 (VCV004537939.1).